The following is an entry in ClinVar:

NM_020822.3(KCNT1):c.1036-94T>C

Gene: KCNT1 (potassium sodium-activated channel subfamily T member 1; plus strand). Cytogenetic location: 9q34.3.
Variant type: single nucleotide variant.
Coding change: c.1036-94T>C on transcript NM_020822.3 (MANE Select); 94 bases into the intron before coding-DNA position 1036, T replaced by C.
Molecular consequence: intron variant.
Genome position (GRCh38, 1-based): chr9:135,764,937, T>C. VCF-style: chr9-135764937-T-C. GRCh37 (hg19) VCF-style: chr9-138656783-T-C.
Other names: c.901-94T>C (NM_001272003.2).
Identifiers: ClinVar variation 682099 (VCV000682099.4), dbSNP rs55816769, ClinGen allele CA13003882.

ClinVar aggregate classification (germline): Benign. Review status: criteria provided, multiple submitters, no conflicts (2 of 4 stars). 3 submissions from 3 submitters: Benign (3). Last evaluated 2024-07-31.

Allele frequency attached by ClinVar (database versions not stated): 1000 Genomes Project 0.20727; 1000 Genomes Project 30x 0.21049; gnomAD 0.22909 and 0.23282; gnomAD exomes 0.23001; TOPMed 0.23681.
gnomAD v4.1: 327,046 of 1,421,798 alleles (23%); highest among the groups gnomAD compares: Middle Eastern, 32%; 39,214 homozygotes.

Submissions (3):

Unidad de Genómica Garrahan, Hospital de Pediatría Garrahan
Classification: Benign. Last evaluated: 2024-07-31. Review status: criteria provided, single submitter. Criteria: ACMG Guidelines, 2015. Collection method: clinical testing. Allele origin: germline. Affected: no. Observed: 29 variant alleles.
Comment: This variant is classified as Benign based on local population frequency. This variant was detected in 31% of patients studied in a panel designed for Epileptic and Developmental Encephalopathy, Progressive Myoclonus Epilepsy and Abnormal Movements and Neurodegeneration with brain iron accumulation. Number of patients: 29. Only high quality variants are reported.

GeneDx
Classification: Benign. Last evaluated: 2018-06-14. Review status: criteria provided, single submitter. Criteria: GeneDx Variant Classification (06012015). Collection method: clinical testing. Allele origin: germline. Affected: yes.
Comment: This variant is considered likely benign or benign based on one or more of the following criteria: it is a conservative change, it occurs at a poorly conserved position in the protein, it is predicted to be benign by multiple in silico algorithms, and/or has population frequency not consistent with disease.

Breakthrough Genomics
Classification: Benign. Review status: criteria provided, single submitter. Criteria: ACMG Guidelines, 2015. Collection method: not provided. Allele origin: germline. Inheritance: Autosomal dominant inheritance. Affected: yes.